The following is an entry in ClinVar:

ClinVar aggregate classification (germline): Pathogenic (1 of 4 stars; one submission).

Conditions:
Junctional epidermolysis bullosa. Identifiers: Orphanet 305, MedGen C0079301, MONDO:0017612.

Submission:

Myriad Genetics, Inc.
Classification: Pathogenic for Junctional epidermolysis bullosa. Last evaluated: 2023-09-03. Review status: criteria provided, single submitter. Criteria: Myriad Autosomal Dominant, Autosomal Recessive and X-Linked Classification Criteria (2023). Collection method: clinical testing. Allele origin: unknown.
Comment: NM_005562.2(LAMC2):c.1255C>T(Q419*) is expected to be pathogenic in the context of junctional epidermolysis bullosa, LAMC2-related. This variant is predicted to lead to an abnormal or absent protein product due to the creation of a premature termination codon in LAMC2, a gene where loss-of-function variants are known to be pathogenic. Please note: this variant was assessed in the context of healthy population screening.

NM_005562.3(LAMC2):c.1255C>T (p.Gln419Ter)

Gene: LAMC2 (laminin subunit gamma 2; plus strand). Cytogenetic location: 1q25.3.
Variant type: single nucleotide variant.
Coding change: c.1255C>T on transcript NM_005562.3 (MANE Select); coding-DNA position 1255, C replaced by T.
Protein change: p.Gln419Ter; replaces glutamine 419 with a stop codon.
Molecular consequence: nonsense.
Genome position (GRCh38, 1-based): chr1:183,226,886, C>T. VCF-style: chr1-183226886-C-T. GRCh37 (hg19) VCF-style: chr1-183196021-C-T.
Other names: c.1255C>T, p.Gln419Ter (NM_018891.3); short protein forms Q419*.
Identifiers: ClinVar variation 5011526 (VCV005011526.1).